The following is an entry in ClinVar:

ClinVar aggregate classification (germline): Pathogenic. Review status: criteria provided, multiple submitters, no conflicts (2 of 4 stars). 2 submissions from 2 submitters: Pathogenic (2). Last evaluated 2021-05-26.

Conditions:
Cerebral cavernous malformation 2. Also called: Familial Cerebral Cavernous Malformation 2. Identifiers: Orphanet 221061, MedGen C1864041, MONDO:0011304, OMIM 603284.

Submissions (2):

Labcorp Genetics (formerly Invitae), Labcorp
Classification: Pathogenic for Cerebral cavernous malformation 2. Last evaluated: 2021-05-26. Review status: criteria provided, single submitter. Criteria: Invitae Variant Classification Sherloc (09022015). Collection method: clinical testing. Allele origin: germline.
Comment: For these reasons, this variant has been classified as Pathogenic. This variant has not been reported in the literature in individuals with CCM2-related conditions. ClinVar contains an entry for this variant (Variation ID: 279739). This variant is not present in population databases (ExAC no frequency). This sequence change creates a premature translational stop signal (p.Gln72*) in the CCM2 gene. It is expected to result in an absent or disrupted protein product. Loss-of-function variants in CCM2 are known to be pathogenic (PMID: 18300272, 24689081).

GeneDx
Classification: Pathogenic. Last evaluated: 2015-11-18. Review status: criteria provided, single submitter. Criteria: GeneDx Variant Classification (06012015). Collection method: clinical testing. Allele origin: germline. Affected: yes.
Comment: The Q72X nonsense variant in the CCM2 gene is predicted to cause loss of normal protein function either through protein truncation or nonsense-mediated mRNA decay. The Q72X variant was not observed in approximately 6,500 individuals of European and African American ancestry in the NHLBI Exome Sequencing Project, indicating it is not a common benign variant in these populations. Given the available evidence, we interpret Q72X as a pathogenic variant.

Literature cited by the submitters: PubMed 18300272 (cited by Labcorp Genetics (formerly Invitae), Labcorp); PubMed 24689081 (cited by Labcorp Genetics (formerly Invitae), Labcorp).

NM_031443.4(CCM2):c.214C>T (p.Gln72Ter)

Gene: CCM2 (CCM2 scaffold protein; plus strand). Cytogenetic location: 7p13.
Variant type: single nucleotide variant.
Coding change: c.214C>T on transcript NM_031443.4 (MANE Select); coding-DNA position 214, C replaced by T.
Protein change: p.Gln72Ter; replaces glutamine 72 with a stop codon.
Molecular consequence: nonsense. On other transcripts: non-coding transcript variant (1).
Genome position (GRCh38, 1-based): chr7:45,063,927, C>T. VCF-style: chr7-45063927-C-T. GRCh37 (hg19) VCF-style: chr7-45103526-C-T.
Other names: c.277C>T, p.Gln93Ter (NM_001029835.2); c.40C>T, p.Gln14Ter (NM_001167934.2, NM_001363459.2); c.214C>T, p.Gln72Ter (NM_001167935.2, NM_001363458.2); short protein forms Q72*, Q93*, Q14*.
Identifiers: ClinVar variation 279739 (VCV000279739.7), dbSNP rs886041157, ClinGen allele CA10602956.